The following is an entry in ClinVar:

NM_183381.3(RNF13):c.829A>T (p.Thr277Ser)

Gene: RNF13 (ring finger protein 13; plus strand). Cytogenetic location: 3q25.1.
Variant type: single nucleotide variant.
Coding change: c.829A>T on transcript NM_183381.3 (MANE Select); coding-DNA position 829, A replaced by T.
Protein change: p.Thr277Ser; replaces threonine 277 with serine.
Molecular consequence: missense variant. On other transcripts: non-coding transcript variant (1).
Genome position (GRCh38, 1-based): chr3:149,960,787, A>T. VCF-style: chr3-149960787-A-T. GRCh37 (hg19) VCF-style: chr3-149678574-A-T.
Other names: c.829A>T, p.Thr277Ser (NM_001378285.1, NM_001378286.1, NM_007282.4); c.472A>T, p.Thr158Ser (NM_001378287.1, NM_001378288.1, NM_001378289.1 and 2 more transcripts); c.436A>T, p.Thr146Ser (NM_001378291.1); short protein forms T146S, T277S, T158S.
Identifiers: ClinVar variation 1349810 (VCV001349810.6), dbSNP rs2108622122, ClinGen allele CA354935530.

ClinVar aggregate classification (germline): Uncertain significance (1 of 4 stars; one submission).

Submission:

Labcorp Genetics (formerly Invitae), Labcorp
Classification: Uncertain significance. Last evaluated: 2021-08-29. Review status: criteria provided, single submitter. Criteria: Invitae Variant Classification Sherloc (09022015). Collection method: clinical testing. Allele origin: germline.
Comment: This sequence change replaces threonine with serine at codon 277 of the RNF13 protein (p.Thr277Ser). The threonine residue is moderately conserved and there is a small physicochemical difference between threonine and serine. This variant is not present in population databases (ExAC no frequency). This variant has not been reported in the literature in individuals affected with RNF13-related conditions. Algorithms developed to predict the effect of missense changes on protein structure and function are either unavailable or do not agree on the potential impact of this missense change (SIFT: "Tolerated"; PolyPhen-2: "Probably Damaging"; Align-GVGD: "Class C0"). In summary, the available evidence is currently insufficient to determine the role of this variant in disease. Therefore, it has been classified as a Variant of Uncertain Significance.